The following is an entry in ClinVar:

ClinVar aggregate classification (germline): Uncertain significance. Review status: criteria provided, multiple submitters, no conflicts (2 of 4 stars). 2 submissions from 2 submitters: Uncertain significance (2). Last evaluated 2025-01-06.

Conditions:
Renal cell carcinoma. Identifiers: Orphanet 217071, MedGen C0007134, MeSH D002292, MONDO:0005086, HP:0005584.
Hereditary cancer-predisposing syndrome. Also called: Neoplastic Syndromes, Hereditary; Tumor predisposition; Hereditary neoplastic syndrome; Hereditary Cancer Syndrome. Identifiers: Orphanet 140162, MedGen C0027672, MeSH D009386, MONDO:0015356.

Allele frequency attached by ClinVar (database versions not stated): gnomAD exomes below 0.00001.
gnomAD v4.1: 1 of 1,613,986 alleles (0.000062%); highest among the groups gnomAD compares: Non-Finnish European, 0.000085%; no homozygotes.

Submissions (2):

Labcorp Genetics (formerly Invitae), Labcorp
Classification: Uncertain significance for Renal cell carcinoma. Last evaluated: 2025-01-06. Review status: criteria provided, single submitter. Criteria: Invitae Variant Classification Sherloc (09022015). Collection method: clinical testing. Allele origin: germline.
Comment: This sequence change replaces valine, which is neutral and non-polar, with isoleucine, which is neutral and non-polar, at codon 1174 of the MET protein (p.Val1174Ile). This variant is not present in population databases (gnomAD no frequency). This variant has not been reported in the literature in individuals affected with MET-related conditions. ClinVar contains an entry for this variant (Variation ID: 823880). Invitae Evidence Modeling of protein sequence and biophysical properties (such as structural, functional, and spatial information, amino acid conservation, physicochemical variation, residue mobility, and thermodynamic stability) indicates that this missense variant is not expected to disrupt MET protein function with a negative predictive value of 80%. In summary, the available evidence is currently insufficient to determine the role of this variant in disease. Therefore, it has been classified as a Variant of Uncertain Significance.

Ambry Genetics
Classification: Uncertain significance for Hereditary cancer-predisposing syndrome. Last evaluated: 2019-09-04. Review status: criteria provided, single submitter. Criteria: Ambry Variant Classification Scheme 2023. Collection method: clinical testing. Allele origin: germline.
Comment: The p.V1174I variant (also known as c.3520G>A), located in coding exon 16 of the MET gene, results from a G to A substitution at nucleotide position 3520. The valine at codon 1174 is replaced by isoleucine, an amino acid with highly similar properties. This amino acid position is highly conserved in available vertebrate species. In addition, the in silico prediction for this alteration is inconclusive. Since supporting evidence is limited at this time, the clinical significance of this alteration remains unclear.

NM_000245.4(MET):c.3466G>A (p.Val1156Ile)

Gene: MET (MET proto-oncogene, receptor tyrosine kinase; plus strand). Cytogenetic location: 7q31.2.
Variant type: single nucleotide variant.
Coding change: c.3466G>A on transcript NM_000245.4 (MANE Select); coding-DNA position 3466, G replaced by A.
Protein change: p.Val1156Ile; replaces valine 1156 with isoleucine.
Molecular consequence: missense variant.
Genome position (GRCh38, 1-based): chr7:116,778,901, G>A. VCF-style: chr7-116778901-G-A. GRCh37 (hg19) VCF-style: chr7-116418955-G-A.
Other names: c.3520G>A, p.Val1174Ile (NM_001127500.3); c.2176G>A, p.Val726Ile (NM_001324402.2); short protein forms V1174I, V726I, V1156I.
Identifiers: ClinVar variation 823880 (VCV000823880.6), dbSNP rs1584961300, ClinGen allele CA368990209.
Genomic context (GRCh38, chr7:116,778,901, plus strand): 5'-CATCCCAATGTCCTCTCGCTCCTGGGAATCTGCCTGCGAAGTGAAGGGTCTCCGCTGGTG[G>A]TCCTACCATACATGAAACATGGAGATCTTCGAAATTTCATTCGAAATGAGACTCATGTAA-3'
Protein context (NP_000236.2, residues 1146-1166): CLRSEGSPLV[Val1156Ile]LPYMKHGDLR